The following is an entry in ClinVar:

ClinVar aggregate classification (germline): Uncertain significance (1 of 4 stars; one submission).

Submission:

CeGaT Center for Human Genetics Tuebingen
Classification: Uncertain significance. Last evaluated: 2026-04-01. Review status: criteria provided, single submitter. Criteria: CeGaT Center For Human Genetics Tuebingen Variant Classification Criteria Version 2. Collection method: clinical testing. Allele origin: germline. Affected: yes. Observed: 1 variant allele.
Comment: KMT2D: PM2

NM_003482.4(KMT2D):c.2993C>G (p.Pro998Arg)

Gene: KMT2D (lysine methyltransferase 2D; minus strand). Cytogenetic location: 12q13.12.
Variant type: single nucleotide variant.
Coding change: c.2993C>G on transcript NM_003482.4 (MANE Select); coding-DNA position 2993, C replaced by G.
Protein change: p.Pro998Arg; replaces proline 998 with arginine.
Molecular consequence: missense variant.
Genome position (GRCh38, 1-based): chr12:49,050,595, G>C on the plus strand (C>G on the coding strand, the complement: KMT2D is on the minus strand). VCF-style: chr12-49050595-G-C. GRCh37 (hg19) VCF-style: chr12-49444378-G-C.
Other names: short protein forms P998R.
Identifiers: ClinVar variation 4874768 (VCV004874768.2).